The following is an entry in ClinVar:

NM_004531.5(MOCS2):c.377G>C (p.Gly126Ala)

Gene: MOCS2 (molybdenum cofactor synthesis 2; minus strand). Cytogenetic location: 5q11.2.
Variant type: single nucleotide variant.
Coding change: c.377G>C on transcript NM_004531.5 (MANE Select); coding-DNA position 377, G replaced by C.
Protein change: p.Gly126Ala; replaces glycine 126 with alanine.
Molecular consequence: missense variant. On other transcripts: 3 prime UTR variant (1).
Genome position (GRCh38, 1-based): chr5:53,101,359, C>G on the plus strand (G>C on the coding strand, the complement: MOCS2 is on the minus strand). VCF-style: chr5-53101359-C-G. GRCh37 (hg19) VCF-style: chr5-52397189-C-G.
Other names: c.*297G>C (NM_176806.4); short protein forms G126A.
Identifiers: ClinVar variation 1366455 (VCV001366455.8), dbSNP rs1433384442, ClinGen allele CA359692972.

ClinVar aggregate classification (germline): Uncertain significance (1 of 4 stars; one submission).

Allele frequency attached by ClinVar (database versions not stated): gnomAD exomes below 0.00001.
gnomAD v4.1: 42 of 1,613,132 alleles (0.0026%); highest among the groups gnomAD compares: Non-Finnish European, 0.0036%; no homozygotes.

Submission:

Labcorp Genetics (formerly Invitae), Labcorp
Classification: Uncertain significance. Last evaluated: 2022-12-06. Review status: criteria provided, single submitter. Criteria: Invitae Variant Classification Sherloc (09022015). Collection method: clinical testing. Allele origin: germline.
Comment: This sequence change replaces glycine, which is neutral and non-polar, with alanine, which is neutral and non-polar, at codon 126 of the MOCS2B protein (p.Gly126Ala). This variant also falls at the last nucleotide of exon 5, which is part of the consensus splice site for this exon. This variant is present in population databases (no rsID available, gnomAD 0.002%). This missense change has been observed in individual(s) with molybdenum cofactor deficiency (PMID: 12754701, 23436702). In summary, the available evidence is currently insufficient to determine the role of this variant in disease. Therefore, it has been classified as a Variant of Uncertain Significance. Variants that disrupt the consensus splice site are a relatively common cause of aberrant splicing (PMID: 17576681, 9536098). Algorithms developed to predict the effect of sequence changes on RNA splicing suggest that this variant may disrupt the consensus splice site. Algorithms developed to predict the effect of missense changes on protein structure and function (SIFT, PolyPhen-2, Align-GVGD) all suggest that this variant is likely to be disruptive. ClinVar contains an entry for this variant (Variation ID: 1366455). This variant is also known as c.564G>C.

Literature cited by the submitters: PubMed 12754701; PubMed 23436702; PubMed 17576681; PubMed 9536098.